The following is an entry in ClinVar:

NM_001367624.2(ZNF469):c.10973A>C (p.Glu3658Ala)

Gene: ZNF469 (zinc finger protein 469; plus strand). Cytogenetic location: 16q24.2.
Variant type: single nucleotide variant.
Coding change: c.10973A>C on transcript NM_001367624.2 (MANE Select); coding-DNA position 10973, A replaced by C.
Protein change: p.Glu3658Ala; replaces glutamic acid 3658 with alanine.
Molecular consequence: missense variant.
Genome position (GRCh38, 1-based): chr16:88,438,443, A>C. VCF-style: chr16-88438443-A-C. GRCh37 (hg19) VCF-style: chr16-88504851-A-C.
Other names: NM_001127464.1:c.10889A>C; short protein forms E3658A.
Identifiers: ClinVar variation 1788108 (VCV001788108.2), dbSNP rs1567517453, ClinGen allele CA397128706.

ClinVar aggregate classification (germline): Uncertain significance (1 of 4 stars; one submission).

Conditions:
Cardiovascular phenotype. Identifiers: MedGen CN230736.

gnomAD v4.1: 3 of 1,549,960 alleles (0.00019%); highest among the groups gnomAD compares: Non-Finnish European, 0.00026%; no homozygotes.

Submission:

Ambry Genetics
Classification: Uncertain significance for Cardiovascular phenotype. Last evaluated: 2021-08-02. Review status: criteria provided, single submitter. Criteria: Ambry Variant Classification Scheme 2023. Collection method: clinical testing. Allele origin: germline.
Comment: The p.E3630A variant (also known as c.10889A>C), located in coding exon 2 of the ZNF469 gene, results from an A to C substitution at nucleotide position 10889. The glutamic acid at codon 3630 is replaced by alanine, an amino acid with dissimilar properties. This amino acid position is conserved. In addition, this alteration is predicted to be tolerated by in silico analysis. Since supporting evidence is limited at this time, the clinical significance of this alteration remains unclear.